The following is an entry in ClinVar:

NM_000057.4(BLM):c.1358T>G (p.Leu453Ter)

Gene: BLM (BLM RecQ like helicase; plus strand). Cytogenetic location: 15q26.1.
Variant type: single nucleotide variant.
Coding change: c.1358T>G on transcript NM_000057.4 (MANE Select); coding-DNA position 1358, T replaced by G.
Protein change: p.Leu453Ter; replaces leucine 453 with a stop codon.
Molecular consequence: nonsense.
Genome position (GRCh38, 1-based): chr15:90,760,731, T>G. VCF-style: chr15-90760731-T-G. GRCh37 (hg19) VCF-style: chr15-91303961-T-G.
Other names: c.1358T>G, p.Leu453Ter (NM_001287246.2, NM_001287247.2); c.233T>G, p.Leu78Ter (NM_001287248.2); short protein forms L453*, L78*.
Identifiers: ClinVar variation 182059 (VCV000182059.13), dbSNP rs730881428, ClinGen allele CA298490.

ClinVar aggregate classification (germline): Pathogenic. Review status: criteria provided, multiple submitters, no conflicts (2 of 4 stars). 4 submissions from 4 submitters: Pathogenic (4). Last evaluated 2026-05-07.

Conditions:
Hereditary cancer-predisposing syndrome. Also called: Neoplastic Syndromes, Hereditary; Tumor predisposition; Hereditary neoplastic syndrome; Hereditary Cancer Syndrome. Identifiers: Orphanet 140162, MedGen C0027672, MeSH D009386, MONDO:0015356.
Bloom syndrome (BLM). Also called: Bloom-Torre-Machacek syndrome. Identifiers: Orphanet 125, MedGen C0005859, MONDO:0008876, OMIM 210900.

Submissions (4):

Myriad Genetics, Inc.
Classification: Pathogenic for Bloom syndrome. Last evaluated: 2026-05-07. Review status: criteria provided, single submitter. Criteria: Myriad Autosomal Dominant, Autosomal Recessive and X-Linked Classification Criteria (2023). Collection method: clinical testing. Allele origin: unknown.
Comment: NM_000057.2(BLM):c.1358T>G(L453*) is a nonsense variant classified as pathogenic in the context of Bloom syndrome. L453* has not been observed in cases with relevant disease. Relevant functional assessments of this variant are not available in the literature. L453* has not been observed in referenced population frequency databases. In summary, NM_000057.2(BLM):c.1358T>G(L453*) is a nonsense variant in a gene where loss of function is a known mechanism of disease and is predicted to disrupt protein function. Please note: this variant was assessed in the context of healthy population screening.

Baylor Genetics
Classification: Pathogenic for Bloom syndrome. Last evaluated: 2023-04-22. Review status: criteria provided, single submitter. Criteria: ACMG Guidelines, 2015. Collection method: clinical testing. Allele origin: unknown.

Labcorp Genetics (formerly Invitae), Labcorp
Classification: Pathogenic for Bloom syndrome. Last evaluated: 2019-10-31. Review status: criteria provided, single submitter. Criteria: Invitae Variant Classification Sherloc (09022015). Collection method: clinical testing. Allele origin: germline.
Comment: This sequence change creates a premature translational stop signal (p.Leu453*) in the BLM gene. It is expected to result in an absent or disrupted protein product. This variant is not present in population databases (ExAC no frequency). This variant has not been reported in the literature in individuals with BLM-related conditions. ClinVar contains an entry for this variant (Variation ID: 182059). Loss-of-function variants in BLM are known to be pathogenic (PMID: 17407155). For these reasons, this variant has been classified as Pathogenic.

Ambry Genetics
Classification: Pathogenic for Hereditary cancer-predisposing syndrome. Last evaluated: 2019-09-28. Review status: criteria provided, single submitter. Criteria: Ambry Variant Classification Scheme 2023. Collection method: clinical testing. Allele origin: germline.
Comment: The p.L453* pathogenic mutation (also known as c.1358T>G), located in coding exon 6 of the BLM gene, results from a T to G substitution at nucleotide position 1358. This changes the amino acid from a leucine to a stop codon within coding exon 6. This alteration is expected to result in loss of function by premature protein truncation or nonsense-mediated mRNA decay. As such, this alteration is interpreted as a disease-causing mutation.

Literature cited by the submitters: PubMed 17407155 (cited by Labcorp Genetics (formerly Invitae), Labcorp).